The following is an entry in ClinVar:

NM_000642.3(AGL):c.2402A>G (p.Asp801Gly)

Gene: AGL (amylo-alpha-1,6-glucosidase and 4-alpha-glucanotransferase; plus strand). Cytogenetic location: 1p21.2.
Variant type: single nucleotide variant.
Coding change: c.2402A>G on transcript NM_000642.3 (MANE Select); coding-DNA position 2402, A replaced by G.
Protein change: p.Asp801Gly; replaces aspartic acid 801 with glycine.
Molecular consequence: missense variant.
Genome position (GRCh38, 1-based): chr1:99,884,213, A>G. VCF-style: chr1-99884213-A-G. GRCh37 (hg19) VCF-style: chr1-100349769-A-G.
Other names: c.2402A>G, p.Asp801Gly (NM_000028.3, NM_000643.3, NM_000644.3 and 2 more transcripts); c.2354A>G, p.Asp785Gly (NM_000646.3); c.2201A>G, p.Asp734Gly (NM_001425327.1); c.2198A>G, p.Asp733Gly (NM_001425328.1, NM_001425329.1); c.2024A>G, p.Asp675Gly (NM_001425332.1); short protein forms D801G, D785G, D675G, D733G, D734G.
Identifiers: ClinVar variation 456471 (VCV000456471.11), dbSNP rs778492877, ClinGen allele CA966783.

ClinVar aggregate classification (germline): Uncertain significance. Review status: criteria provided, single submitter (1 of 4 stars). 2 submissions from 2 submitters: Uncertain significance (1). 1 of the submissions does not count toward it. Last evaluated 2021-12-11.

Conditions:
Glycogen storage disease type III (GSD3). Also called: FORBES DISEASE; Cori disease. Identifiers: Orphanet 366, MedGen C0017922, MONDO:0009291, OMIM 232400.

Allele frequency attached by ClinVar (database versions not stated): ExAC 0.00001; gnomAD exomes 0.00001 and 0.00002; TOPMed 0.00002; gnomAD 0.00004.
gnomAD v4.1: 28 of 1,613,272 alleles (0.0017%); highest among the groups gnomAD compares: African/African-American, 0.004%; no homozygotes.

Submissions (3):

Labcorp Genetics (formerly Invitae), Labcorp
Classification: Uncertain significance for Glycogen storage disease type III. Last evaluated: 2021-12-11. Review status: criteria provided, single submitter. Criteria: Invitae Variant Classification Sherloc (09022015). Collection method: clinical testing. Allele origin: germline.
Comment: This sequence change replaces aspartic acid, which is acidic and polar, with glycine, which is neutral and non-polar, at codon 801 of the AGL protein (p.Asp801Gly). This variant is present in population databases (rs778492877, gnomAD 0.002%). This variant has not been reported in the literature in individuals affected with AGL-related conditions. ClinVar contains an entry for this variant (Variation ID: 456471). Algorithms developed to predict the effect of missense changes on protein structure and function (SIFT, PolyPhen-2, Align-GVGD) all suggest that this variant is likely to be tolerated. Algorithms developed to predict the effect of sequence changes on RNA splicing suggest that this variant may create or strengthen a splice site. In summary, the available evidence is currently insufficient to determine the role of this variant in disease. Therefore, it has been classified as a Variant of Uncertain Significance.

Natera, Inc.
Classification: Uncertain significance for Glycogen storage disease type III. Last evaluated: 2020-01-25. Review status: no assertion criteria provided. Collection method: clinical testing. Allele origin: germline. Not counted in ClinVar's aggregate classification.

Dr. Peter K. Rogan Lab, Western University
No classification provided (evidence only). Condition: Thyroid cancer, nonmedullary, 1. Review status: no classification provided. Collection method: in vitro. Allele origin: not applicable. Functional consequence: retained intron. Not counted in ClinVar's aggregate classification.